The following is an entry in ClinVar:

NM_002474.3(MYH11):c.4728C>T (p.Phe1576=)

Genes: MYH11 (myosin heavy chain 11; minus strand), NDE1 (nudE neurodevelopment protein 1; plus strand). Cytogenetic location: 16p13.11.
Variant type: single nucleotide variant.
Coding change: c.4728C>T on transcript NM_002474.3 (MANE Select); coding-DNA position 4728, C replaced by T.
Protein change: p.Phe1576=; no amino-acid change (phenylalanine 1576 retained).
Molecular consequence: synonymous variant. On other transcripts: intron variant (2).
Genome position (GRCh38, 1-based): chr16:15,720,902, G>A on the plus strand (C>T on the coding strand, the complement: MYH11 is on the minus strand). VCF-style: chr16-15720902-G-A. GRCh37 (hg19) VCF-style: chr16-15814759-G-A.
Other names: c.4749C>T, p.Phe1583= (NM_001040113.2, NM_001040114.2); c.4728C>T, p.Phe1576= (NM_022844.3); c.948-3289G>A (NM_001143979.2, NM_017668.3).
Identifiers: ClinVar variation 922433 (VCV000922433.9), dbSNP rs765435868, ClinGen allele CA7921580.
Genomic context (GRCh38, chr16:15,720,902, plus strand): 5'-TCTCTGCAGTTGCCTCCTCTTCTCCTCATTCTGCTCGTCCCGGGCTTGGAGATCCCTTTC[G>A]AACTGGCCCTTGAGCGCCTGCATGTTGACTTCCAGCCGCAGTTTGGCGTCCTCCGTGGCT-3'
Protein context (NP_002465.1, residues 1566-1586): EVNMQALKGQ[Phe1576=]ERDLQARDEQ

ClinVar aggregate classification (germline): Likely benign. Review status: criteria provided, multiple submitters, no conflicts (2 of 4 stars). 5 submissions from 5 submitters: Likely benign (5). Last evaluated 2024-12-31.

Conditions:
Familial thoracic aortic aneurysm and aortic dissection (TAAD). Also called: Thoracic aortic aneurysms and dissections. Identifiers: Orphanet 91387, MedGen C4707243, MONDO:0019625.
Aortic aneurysm, familial thoracic 4 (AAT4). Also called: AORTIC ANEURYSM/AORTIC DISSECTION AND PATENT DUCTUS ARTERIOSUS. Identifiers: MedGen C1851504, MONDO:0007568, OMIM 132900.

gnomAD v4.1: 14 of 1,613,704 alleles (0.00087%); highest among the groups gnomAD compares: African/African-American, 0.0027%; no homozygotes.

Submissions (5):

Labcorp Genetics (formerly Invitae), Labcorp
Classification: Likely benign for Aortic aneurysm, familial thoracic 4. Last evaluated: 2024-12-31. Review status: criteria provided, single submitter. Criteria: Invitae Variant Classification Sherloc (09022015). Collection method: clinical testing. Allele origin: germline.

Ambry Genetics
Classification: Likely benign for Familial thoracic aortic aneurysm and aortic dissection. Last evaluated: 2024-06-17. Review status: criteria provided, single submitter. Criteria: Ambry Variant Classification Scheme 2023. Collection method: clinical testing. Allele origin: germline.

All of Us Research Program, National Institutes of Health
Classification: Likely benign for Familial thoracic aortic aneurysm and aortic dissection. Last evaluated: 2023-07-07. Review status: criteria provided, single submitter. Criteria: ACMG Guidelines, 2015. Collection method: clinical testing. Allele origin: germline. Inheritance: Autosomal dominant inheritance. Observed: 3 variant alleles, 3 heterozygotes.
Comment: This study involves interpretation of variants in research participants for the purpose of population health screening. Participant phenotype was not available at the time of variant classification. Additional details can be found in publication PMID: 35346344, PMCID: PMC8962531

Blueprint Genetics
Classification: Likely benign. Last evaluated: 2023-06-16. Review status: criteria provided, single submitter. Criteria: ACMG Guidelines, 2015. Collection method: clinical testing. Allele origin: germline.

Color Diagnostics, LLC DBA Color Health
Classification: Likely benign for Familial thoracic aortic aneurysm and aortic dissection. Last evaluated: 2018-10-21. Review status: criteria provided, single submitter. Criteria: ACMG Guidelines, 2015. Collection method: clinical testing. Allele origin: germline.